The following is an entry in ClinVar:

ClinVar aggregate classification (germline): Likely pathogenic (1 of 4 stars; one submission).

Conditions:
Mitochondrial DNA depletion syndrome 15 (hepatocerebral type) (MTDPS15). Also called: Hepatocerebral Mitochondrial DNA Depletion Syndrome. Identifiers: MedGen C4310690, MONDO:0014943, OMIM 617156.

Submission:

Neuberg Centre For Genomic Medicine, NCGM
Classification: Likely pathogenic for Mitochondrial DNA depletion syndrome 15 (hepatocerebral type). Review status: criteria provided, single submitter. Criteria: ACMG Guidelines, 2015. Collection method: clinical testing. Allele origin: germline. Inheritance: Autosomal recessive inheritance. Affected: yes.
Comment: The frameshift variant c.441del(p.Glu148SerfsTer2) in TFAM gene has not been reported previously as a pathogenic variant nor as a benign variant, to our knowledge. The p.Glu148SerfsTer2 variant is novel (not in any individuals) in 1000 Genomes and allele frequency of 1.105% is reported in gnomAD. However this might not represent true frequency as the variant has been tagged as 'failed random forest filter' This variant causes a frameshift starting with codon Glutamic Acid 148, changes this amino acid to Serine residue, and creates a premature Stop codon at position 2 of the new reading frame, denoted p.Glu148SerfsTer2.For these reasons, this variant has been classified as Likely Pathogenic In the absence of a second reportable variant the molecular diagnosis is not confirmed.

NM_003201.3(TFAM):c.441del (p.Glu148fs)

Gene: TFAM (transcription factor A, mitochondrial; plus strand). Cytogenetic location: 10q21.1.
Variant type: Deletion.
Coding change: c.441del on transcript NM_003201.3 (MANE Select); coding-DNA position 441, one base deleted (A; older notation c.441delA).
Protein change: p.Glu148fs; shifts the reading frame from glutamic acid 148.
Molecular consequence: frameshift variant. On other transcripts: non-coding transcript variant (1).
Genome position (GRCh38, 1-based): chr10:58,388,819, A deleted; the last of 10 consecutive A bases (chr10:58,388,810-58,388,819); deleting any one gives the same sequence. VCF-style (leftmost placement, unchanged base first): chr10-58388809-CA-C. GRCh37 (hg19) VCF-style: chr10-60148569-CA-C.
Other names: c.441del, p.Glu148fs (NM_001270782.2); short protein forms E148fs.
Identifiers: ClinVar variation 2585248 (VCV002585248.1), dbSNP rs544132101, ClinGen allele CA5507959.